The following is an entry in ClinVar:

NM_001077525.3(MTMR14):c.488dup (p.Ser164fs)

Gene: MTMR14 (myotubularin related protein 14; plus strand). Cytogenetic location: 3p25.3.
Variant type: Duplication.
Coding change: c.488dup on transcript NM_001077525.3 (MANE Select); coding-DNA position 488, one base duplicated (T; older notation c.488dupT).
Protein change: p.Ser164fs; shifts the reading frame from serine 164.
Molecular consequence: frameshift variant.
Genome position (GRCh38, 1-based): chr3:9,668,789, T duplicated; the last of 6 consecutive T bases (chr3:9,668,784-9,668,789); duplicating any one gives the same sequence. VCF-style (leftmost placement, unchanged base first): chr3-9668783-A-AT. GRCh37 (hg19) VCF-style: chr3-9710467-A-AT.
Other names: c.488dup, p.Ser164fs (NM_001077526.3, NM_022485.5); short protein forms S164fs.
Identifiers: ClinVar variation 1369884 (VCV001369884.6), dbSNP rs768627913, ClinGen allele CA2240309.

ClinVar aggregate classification (germline): Uncertain significance (1 of 4 stars; one submission).

Submission:

Labcorp Genetics (formerly Invitae), Labcorp
Classification: Uncertain significance. Last evaluated: 2024-08-12. Review status: criteria provided, single submitter. Criteria: Invitae Variant Classification Sherloc (09022015). Collection method: clinical testing. Allele origin: germline.
Comment: This sequence change creates a premature translational stop signal (p.Ser164Leufs*6) in the MTMR14 gene. It is expected to result in an absent or disrupted protein product. However, the current clinical and genetic evidence is not sufficient to establish whether loss-of-function variants in MTMR14 cause disease. This variant is present in population databases (rs768627913, gnomAD 0.004%). This variant has not been reported in the literature in individuals affected with MTMR14-related conditions. ClinVar contains an entry for this variant (Variation ID: 1369884). Algorithms developed to predict the effect of sequence changes on RNA splicing suggest that this variant may disrupt the consensus splice site. In summary, the available evidence is currently insufficient to determine the role of this variant in disease. Therefore, it has been classified as a Variant of Uncertain Significance.